The following is an entry in ClinVar:

ClinVar aggregate classification (oncogenicity): Oncogenic (1 of 4 stars; one submission).

Conditions:
Meningioma. Also called: Meningioma, somatic. Identifiers: Orphanet 2495, MedGen C0025286, MONDO:0016642, HP:0002858.

Submission:

Dr. Guy Rouleau's laboratory, McGill University
Classification: Oncogenic for Meningioma. Last evaluated: 2025-03-30. Review status: criteria provided, single submitter. Criteria: ClinGen/CGC/VICC Guidelines for Oncogenicity, 2022. Collection method: research. Allele origin: somatic. Affected: yes.
Comment: This frameshift variant generates a premature translational stop signal (p.Leu163fs) in the NF2 gene, which is expected to result in an absent or disrupted protein product. Loss-of-function variants in NF2 are well-established as pathogenic (PMIDs: 8755919, 9643284, 16983642). This somatic variant was identified in a paired tumor-blood sequencing study of meningiomas. It has been reported in two patients with atypical meningiomas (PMIDs: 30419952, 35774130). However, it has not been reported in population databases (gnomAD v2.1.1: no frequency).

NM_000268.4(NF2):c.488del (p.Leu163fs)

Gene: NF2 (NF2, moesin-ezrin-radixin like (MERLIN) tumor suppressor; plus strand). Cytogenetic location: 22q12.2.
Variant type: Deletion.
Coding change: c.488del on transcript NM_000268.4 (MANE Select); coding-DNA position 488, one base deleted (T; older notation c.488delT).
Protein change: p.Leu163fs; shifts the reading frame from leucine 163.
Molecular consequence: frameshift variant. On other transcripts: intron variant (1), 5 prime UTR variant (1).
Genome position (GRCh38, 1-based): chr22:29,654,697, T deleted; the last of 5 consecutive T bases (chr22:29,654,693-29,654,697); deleting any one gives the same sequence. VCF-style (leftmost placement, unchanged base first): chr22-29654692-AT-A. GRCh37 (hg19) VCF-style: chr22-30050681-AT-A.
Other names: c.362del, p.Leu121fs (NM_181828.3, NM_001407055.1); c.365del, p.Leu122fs (NM_181829.3, NM_001407054.1, NM_001407058.1 and 1 more transcripts); c.239del, p.Leu80fs (NM_181830.3, NM_181831.3, NM_001407063.1 and 1 more transcripts); c.488del, p.Leu163fs (NM_181832.3, NM_001407057.1, NM_001407059.1 and 4 more transcripts); c.447+12412del (NM_181833.3); c.374del, p.Leu125fs (NM_001407053.1, NM_001407056.1); c.-153del (NM_001407065.1); c.257del, p.Leu86fs (NM_001407067.1); short protein forms L121fs, L122fs, L125fs, L163fs, L80fs, L86fs.
Identifiers: ClinVar variation 3897738 (VCV003897738.1).